The following is an entry in ClinVar:

ClinVar aggregate classification (germline): Pathogenic. Review status: criteria provided, multiple submitters, no conflicts (2 of 4 stars). 2 submissions from 2 submitters: Pathogenic (2). Last evaluated 2023-05-25.

Conditions:
Hereditary cancer-predisposing syndrome. Also called: Hereditary Cancer Syndrome; Hereditary neoplastic syndrome; Neoplastic Syndromes, Hereditary; Tumor predisposition. Identifiers: Orphanet 140162, MedGen C0027672, MeSH D009386, MONDO:0015356.
BAP1-related tumor predisposition syndrome (TPDS1). Also called: COMMON Syndrome; Tumor susceptibility linked to germline BAP1 mutations; TUMOR PREDISPOSITION SYNDROME 1; BAP1 tumor predisposition syndrome. Identifiers: Orphanet 289539, MedGen C3280492, MONDO:0013692, OMIM 614327.

Submissions (2):

Ambry Genetics
Classification: Pathogenic for Hereditary cancer-predisposing syndrome. Last evaluated: 2023-05-25. Review status: criteria provided, single submitter. Criteria: Ambry Variant Classification Scheme 2023. Collection method: clinical testing. Allele origin: germline.
Comment: The p.Y394* pathogenic mutation (also known as c.1182C>G), located in coding exon 12 of the BAP1 gene, results from a C to G substitution at nucleotide position 1182. This changes the amino acid from a tyrosine to a stop codon within coding exon 12. This variant is considered to be rare based on population cohorts in the Genome Aggregation Database (gnomAD). This alteration is expected to result in loss of function by premature protein truncation or nonsense-mediated mRNA decay. As such, this alteration is interpreted as a disease-causing mutation.

Labcorp Genetics (formerly Invitae), Labcorp
Classification: Pathogenic for BAP1-related tumor predisposition syndrome. Last evaluated: 2021-05-02. Review status: criteria provided, single submitter. Criteria: Invitae Variant Classification Sherloc (09022015). Collection method: clinical testing. Allele origin: germline.
Comment: For these reasons, this variant has been classified as Pathogenic. This variant has been observed in individual(s) with metastatic adenocarcinoma likely from a hepatic cholangiocarcinoma (PMID: 24243779). This variant is not present in population databases (ExAC no frequency). This sequence change creates a premature translational stop signal (p.Tyr394*) in the BAP1 gene. It is expected to result in an absent or disrupted protein product. Loss-of-function variants in BAP1 are known to be pathogenic (PMID: 21874000, 23684012).

Literature cited by the submitters: PubMed 24243779 (cited by Labcorp Genetics (formerly Invitae), Labcorp); PubMed 21874000 (cited by Labcorp Genetics (formerly Invitae), Labcorp); PubMed 23684012 (cited by Labcorp Genetics (formerly Invitae), Labcorp).

NM_004656.4(BAP1):c.1182C>G (p.Tyr394Ter)

Gene: BAP1 (BRCA1 associated deubiquitinase 1; minus strand). Cytogenetic location: 3p21.1.
Variant type: single nucleotide variant.
Coding change: c.1182C>G on transcript NM_004656.4 (MANE Select); coding-DNA position 1182, C replaced by G.
Protein change: p.Tyr394Ter; replaces tyrosine 394 with a stop codon.
Molecular consequence: nonsense.
Genome position (GRCh38, 1-based): chr3:52,404,521, G>C on the plus strand (C>G on the coding strand, the complement: BAP1 is on the minus strand). VCF-style: chr3-52404521-G-C. GRCh37 (hg19) VCF-style: chr3-52438537-G-C.
Other names: c.1182C>G (NM_004656.2); short protein forms Y394*.
Identifiers: ClinVar variation 1450451 (VCV001450451.9), dbSNP rs1364087255, ClinGen allele CA353103160.
Genomic context (GRCh38, chr3:52,404,521, plus strand): 5'-AGAGTTGGTGTTCTGCACGTCATCCTCCTCGTCATCCTCATAGTCATCCTCATCATCTGA[G>C]TACTGCTGGGGTGGGCGGACTGGAACTCGGCTGCGGCCCACACCTGCCGCCAGGTCTTCT-3'